The following is an entry in ClinVar:

NM_012330.4(KAT6B):c.3337T>C (p.Leu1113=)

Gene: KAT6B (lysine acetyltransferase 6B; plus strand). Cytogenetic location: 10q22.2.
Variant type: single nucleotide variant.
Coding change: c.3337T>C on transcript NM_012330.4 (MANE Select); coding-DNA position 3337, T replaced by C.
Protein change: p.Leu1113=; no amino-acid change (leucine 1113 retained).
Molecular consequence: synonymous variant.
Genome position (GRCh38, 1-based): chr10:75,022,196, T>C. VCF-style: chr10-75022196-T-C. GRCh37 (hg19) VCF-style: chr10-76781954-T-C.
Other names: c.2788T>C, p.Leu930= (NM_001256468.2, NM_001370138.1); c.2461T>C, p.Leu821= (NM_001256469.2, NM_001370139.1, NM_001370140.1 and 2 more transcripts); c.2299T>C, p.Leu767= (NM_001370132.1); c.1648T>C, p.Leu550= (NM_001370133.1); c.1252T>C, p.Leu418= (NM_001370134.1); c.994T>C, p.Leu332= (NM_001370135.1); c.3337T>C, p.Leu1113= (NM_001370136.1, NM_001370137.1); c.2272T>C, p.Leu758= (NM_001370143.1, NM_001370144.1).
Identifiers: ClinVar variation 1181649 (VCV001181649.13), dbSNP rs751986009, ClinGen allele CA5564802.

ClinVar aggregate classification (germline): Benign/Likely benign. Review status: criteria provided, multiple submitters, no conflicts (2 of 4 stars). 4 submissions from 4 submitters: Benign (1); Likely benign (2). 1 of the submissions does not count toward it. Last evaluated 2026-01-05.

Conditions:
Genitopatellar syndrome (GTPTS). Also called: Genitopatellar syndrome (GPS); ABSENT PATELLAE, SCROTAL HYPOPLASIA, RENAL ANOMALIES, FACIAL DYSMORPHISM, AND MENTAL RETARDATION. Identifiers: Orphanet 85201, MedGen C1853566, MONDO:0011640, OMIM 606170.
Blepharophimosis - intellectual disability syndrome, SBBYS type (SBBYSS). Also called: Say-Barber-Biesecker Variant of Ohdo Syndrome; Say-Barber-Biesecker variant of Ohdo syndrome (SBBYSS); Say-Barber-Biesecker-Young-Simpson syndrome; Say-Barber-Biesecker-Young-Simpson variant of Ohdo Syndrome; Ohdo syndrome, SBBYS variant; SBBYSS syndrome. Identifiers: Orphanet 3047, MedGen C1863557, MONDO:0011365, OMIM 603736.
KAT6B-related disorder. Also called: KAT6B-related disorders; KAT6B-related condition.

Allele frequency attached by ClinVar (database versions not stated): TOPMed 0.00009; gnomAD 0.00010; gnomAD exomes 0.00012 and 0.00015; ExAC 0.00015.
gnomAD v4.1: 191 of 1,613,292 alleles (0.012%); highest among the groups gnomAD compares: South Asian, 0.016%; no homozygotes.

Submissions (4):

Labcorp Genetics (formerly Invitae), Labcorp
Classification: Likely benign for Genitopatellar syndrome. Last evaluated: 2026-01-05. Review status: criteria provided, single submitter. Criteria: Invitae Variant Classification Sherloc (09022015). Collection method: clinical testing. Allele origin: germline.

Fulgent Genetics
Classification: Likely benign for Blepharophimosis - intellectual disability syndrome, SBBYS type; Genitopatellar syndrome. Last evaluated: 2021-07-26. Review status: criteria provided, single submitter. Criteria: ACMG Guidelines, 2015. Collection method: clinical testing. Allele origin: unknown.

GeneDx
Classification: Benign. Last evaluated: 2019-10-17. Review status: criteria provided, single submitter. Criteria: GeneDx Variant Classification Process June 2021. Collection method: clinical testing. Allele origin: germline. Affected: yes.

PreventionGenetics, part of Exact Sciences
Classification: Likely benign for KAT6B-related condition. Last evaluated: 2019-06-12. Review status: no assertion criteria provided. Collection method: clinical testing. Allele origin: germline. Not counted in ClinVar's aggregate classification.
Comment: This variant is classified as likely benign based on ACMG/AMP sequence variant interpretation guidelines (Richards et al. 2015 PMID: 25741868, with internal and published modifications).